The following is an entry in ClinVar:

ClinVar aggregate classification (germline): Pathogenic (1 of 4 stars; one submission).

Conditions:
Cockayne spectrum with or without cerebrooculofacioskeletal syndrome. Identifiers: MedGen CN315928, MONDO:0100506.

Submission:

Myriad Genetics, Inc.
Classification: Pathogenic for Cockayne spectrum with or without cerebrooculofacioskeletal syndrome. Last evaluated: 2025-08-30. Review status: criteria provided, single submitter. Criteria: Myriad Autosomal Dominant, Autosomal Recessive and X-Linked Classification Criteria (2023). Collection method: clinical testing. Allele origin: unknown.
Comment: NM_000124.2(ERCC6):c.3523delG(E1175Kfs*26) is expected to be pathogenic in the context of ERCC6-related disorders. This variant is predicted to lead to an abnormal or absent protein product due to the creation of a premature termination codon in ERCC6, a gene where loss-of-function variants are known to be pathogenic. Please note: this variant was assessed in the context of healthy population screening.

NM_000124.4(ERCC6):c.3523del (p.Glu1175fs)

Gene: ERCC6 (ERCC excision repair 6, chromatin remodeling factor; minus strand). Cytogenetic location: 10q11.23.
Variant type: Deletion.
Coding change: c.3523del on transcript NM_000124.4 (MANE Select); coding-DNA position 3523, one base deleted (G; older notation c.3523delG).
Protein change: p.Glu1175fs; shifts the reading frame from glutamic acid 1175.
Molecular consequence: frameshift variant.
Genome position (GRCh38, 1-based): chr10:49,470,437, C deleted on the plus strand (G on the coding strand, the reverse complement: ERCC6 is on the minus strand); the first of 2 consecutive C bases (chr10:49,470,437-49,470,438); deleting either gives the same sequence. VCF-style (leftmost placement, unchanged base first): chr10-49470436-TC-T. GRCh37 (hg19) VCF-style: chr10-50678482-TC-T.
Other names: c.3523del, p.Glu1175fs (NM_001346440.2); short protein forms E1175fs.
Identifiers: ClinVar variation 5014927 (VCV005014927.1).
Genomic context (GRCh38, chr10:49,470,436, plus strand): 5'-GTCTCTTCTTCTGCCACACTATGATGTTTTGTTTTTGACTTGTGCTTATAAAAATTATTT[TC>T]CATTTGTTTATTCTCCCAAAAAGCTTCTGTTTGAGCCTGGCTGGGTCTTTCTCTTTTGTA-3'